The following is an entry in ClinVar:

NM_032229.3(SLITRK6):c.1457A>C (p.Lys486Thr)

Gene: SLITRK6 (SLIT and NTRK like family member 6; minus strand). Cytogenetic location: 13q31.1.
Variant type: single nucleotide variant.
Coding change: c.1457A>C on transcript NM_032229.3 (MANE Select); coding-DNA position 1457, A replaced by C.
Protein change: p.Lys486Thr; replaces lysine 486 with threonine.
Molecular consequence: missense variant.
Genome position (GRCh38, 1-based): chr13:85,795,052, T>G on the plus strand (A>C on the coding strand, the complement: SLITRK6 is on the minus strand). VCF-style: chr13-85795052-T-G. GRCh37 (hg19) VCF-style: chr13-86369187-T-G.
Other names: short protein forms K486T.
Identifiers: ClinVar variation 2431008 (VCV002431008.1), dbSNP rs190027458, ClinGen allele CA253125042.

ClinVar aggregate classification (germline): Uncertain significance (1 of 4 stars; one submission).

Allele frequency attached by ClinVar (database versions not stated): gnomAD 0.00001; TOPMed 0.00001; 1000 Genomes Project 30x 0.00016; 1000 Genomes Project 0.00020.
gnomAD v4.1: 8 of 1,612,992 alleles (0.0005%); highest among the groups gnomAD compares: Admixed American, 0.005%; no homozygotes.

Submission:

GeneDx
Classification: Uncertain significance. Last evaluated: 2022-08-19. Review status: criteria provided, single submitter. Criteria: GeneDx Variant Classification Process June 2021. Collection method: clinical testing. Allele origin: germline. Affected: yes.
Comment: Not observed at significant frequency in large population cohorts (gnomAD); In silico analysis supports that this missense variant does not alter protein structure/function; Has not been previously published as pathogenic or benign to our knowledge